The following is an entry in ClinVar:

NM_014263.4(YME1L1):c.377G>A (p.Arg126Gln)

Gene: YME1L1 (YME1 like 1 ATPase; minus strand). Cytogenetic location: 10p12.1.
Variant type: single nucleotide variant.
Coding change: c.377G>A on transcript NM_014263.4 (MANE Select); coding-DNA position 377, G replaced by A.
Protein change: p.Arg126Gln; replaces arginine 126 with glutamine.
Molecular consequence: missense variant. On other transcripts: intron variant (1).
Genome position (GRCh38, 1-based): chr10:27,142,440, C>T on the plus strand (G>A on the coding strand, the complement: YME1L1 is on the minus strand). VCF-style: chr10-27142440-C-T. GRCh37 (hg19) VCF-style: chr10-27431369-C-T.
Other names: c.548G>A, p.Arg183Gln (NM_139312.3); c.331+2988G>A (NM_001253866.2); short protein forms R126Q, R183Q.
Identifiers: ClinVar variation 4694402 (VCV004694402.1).
Genomic context (GRCh38, chr10:27,142,440, plus strand): 5'-TTCATACCTGGCCAGTACTGAAGATCTGAACAAATGCTTTGAAGAGCTCTTGAATGATGT[C>T]GATACAAGCAAGAGGAACGTAATGTACTAAATATATCTAAGTTACCTGGAGGGAAATTGC-3'
Protein context (NP_055078.1, residues 116-136): FSTLRSSCLY[Arg126Gln]HHSRALQSIC

ClinVar aggregate classification (germline): Uncertain significance (1 of 4 stars; one submission).

Submission:

Labcorp Genetics (formerly Invitae), Labcorp
Classification: Uncertain significance. Last evaluated: 2025-10-21. Review status: criteria provided, single submitter. Criteria: Invitae Variant Classification Sherloc (09022015). Collection method: clinical testing. Allele origin: germline.
Comment: This sequence change replaces arginine, which is basic and polar, with glutamine, which is neutral and polar, at codon 183 of the YME1L1 protein (p.Arg183Gln). The frequency data for this variant in the population databases is considered unreliable, as metrics indicate poor data quality at this position in the gnomAD database. This variant has not been reported in the literature in individuals affected with YME1L1-related conditions. An algorithm developed to predict the effect of missense changes on protein structure and function (PolyPhen-2) suggests that this variant is likely to be tolerated. In summary, the available evidence is currently insufficient to determine the role of this variant in disease. Therefore, it has been classified as a Variant of Uncertain Significance.